The following is an entry in ClinVar:

NM_001130009.3(GEN1):c.2471C>G (p.Ser824Cys)

Gene: GEN1 (GEN1 Holliday junction 5' flap endonuclease; plus strand). Cytogenetic location: 2p24.2.
Variant type: single nucleotide variant.
Coding change: c.2471C>G on transcript NM_001130009.3 (MANE Select); coding-DNA position 2471, C replaced by G.
Protein change: p.Ser824Cys; replaces serine 824 with cysteine.
Molecular consequence: missense variant.
Genome position (GRCh38, 1-based): chr2:17,781,683, C>G. VCF-style: chr2-17781683-C-G. GRCh37 (hg19) VCF-style: chr2-17962950-C-G.
Other names: c.2471C>G, p.Ser824Cys (NM_182625.5); short protein forms S824C.
Identifiers: ClinVar variation 4029223 (VCV004029223.1).

ClinVar aggregate classification (germline): Uncertain significance (1 of 4 stars; one submission).

gnomAD v4.1: 1 of 1,613,744 alleles (0.000062%); highest among the groups gnomAD compares: Non-Finnish European, 0.000085%; no homozygotes.

Submission:

Ambry Genetics
Classification: Uncertain significance. Last evaluated: 2025-04-12. Review status: criteria provided, single submitter. Criteria: Ambry Variant Classification Scheme 2023. Collection method: clinical testing. Allele origin: germline.
Comment: The p.S824C variant (also known as c.2471C>G), located in coding exon 13 of the GEN1 gene, results from a C to G substitution at nucleotide position 2471. The serine at codon 824 is replaced by cysteine, an amino acid with dissimilar properties. This amino acid position is conserved. In addition, this alteration is predicted to be tolerated by in silico analysis. Based on the available evidence, the clinical significance of this variant remains unclear.